The following is an entry in ClinVar:

NM_001164508.2(NEB):c.6179G>T (p.Ser2060Ile)

Gene: NEB (nebulin; minus strand). Cytogenetic location: 2q23.3.
Variant type: single nucleotide variant.
Coding change: c.6179G>T on transcript NM_001164508.2 (MANE Select); coding-DNA position 6179, G replaced by T.
Protein change: p.Ser2060Ile; replaces serine 2060 with isoleucine.
Molecular consequence: missense variant.
Genome position (GRCh38, 1-based): chr2:151,657,987, C>A on the plus strand (G>T on the coding strand, the complement: NEB is on the minus strand). VCF-style: chr2-151657987-C-A. GRCh37 (hg19) VCF-style: chr2-152514501-C-A.
Other names: c.6179G>T, p.Ser2060Ile (NM_001164507.2, NM_001271208.2, NM_004543.5); short protein forms S2060I.
Identifiers: ClinVar variation 1928444 (VCV001928444.5), dbSNP rs761032234, ClinGen allele CA348801767.

ClinVar aggregate classification (germline): Uncertain significance (1 of 4 stars; one submission).

Conditions:
Nemaline myopathy 2 (NEM2). Also called: Nemaline myopathy 2, autosomal recessive. Identifiers: MedGen C1850569, MONDO:0009725, OMIM 256030.

Submission:

Labcorp Genetics (formerly Invitae), Labcorp
Classification: Uncertain significance for Nemaline myopathy 2. Last evaluated: 2021-12-24. Review status: criteria provided, single submitter. Criteria: Invitae Variant Classification Sherloc (09022015). Collection method: clinical testing. Allele origin: germline.
Comment: In summary, the available evidence is currently insufficient to determine the role of this variant in disease. Therefore, it has been classified as a Variant of Uncertain Significance. Algorithms developed to predict the effect of missense changes on protein structure and function are either unavailable or do not agree on the potential impact of this missense change (SIFT: "Deleterious"; PolyPhen-2: "Not Available"; Align-GVGD: "Class C0"). This variant has not been reported in the literature in individuals affected with NEB-related conditions. This variant is not present in population databases (gnomAD no frequency). This sequence change replaces serine, which is neutral and polar, with isoleucine, which is neutral and non-polar, at codon 2060 of the NEB protein (p.Ser2060Ile).